The following is an entry in ClinVar:

NM_013275.6(ANKRD11):c.2751dup (p.Glu918Ter)

Gene: ANKRD11 (ankyrin repeat domain 11; minus strand). Cytogenetic location: 16q24.3.
Variant type: Duplication.
Coding change: c.2751dup on transcript NM_013275.6 (MANE Select); coding-DNA position 2751, one base duplicated (T; older notation c.2751dupT).
Protein change: p.Glu918Ter; replaces glutamic acid 918 with a stop codon.
Molecular consequence: nonsense.
Genome position (GRCh38, 1-based): chr16:89,283,791, A duplicated on the plus strand (T on the coding strand, the reverse complement: ANKRD11 is on the minus strand). VCF-style (leftmost placement, unchanged base first): chr16-89283790-C-CA. GRCh37 (hg19) VCF-style: chr16-89350198-C-CA.
Other names: c.2751dup (NM_013275.5); c.2751dup, p.Glu918Ter (NM_001256182.2, NM_001256183.2); short protein forms E918*.
Identifiers: ClinVar variation 981709 (VCV000981709.5), dbSNP rs2034453469, ClinGen allele CA1139664930.

ClinVar aggregate classification (germline): Pathogenic. Review status: criteria provided, multiple submitters, no conflicts (2 of 4 stars). 3 submissions from 3 submitters: Pathogenic (2). 1 of the submissions does not count toward it. Last evaluated 2025-05-15.

Conditions:
KBG syndrome (KBGS). Also called: ANKRD11-Related KBG Syndrome. Identifiers: Orphanet 2332, MedGen C0220687, MONDO:0007846, OMIM 148050.

Submissions (3):

GeneDx
Classification: Pathogenic. Last evaluated: 2025-05-15. Review status: criteria provided, single submitter. Criteria: GeneDx Variant Classification Process June 2021. Collection method: clinical testing. Allele origin: germline. Affected: yes.
Comment: Nonsense variant predicted to result in protein truncation or nonsense mediated decay in a gene for which loss of function is a known mechanism of disease; Not observed at significant frequency in large population cohorts (gnomAD); This variant is associated with the following publications: (PMID: 27605097, 25424714, 26269249)

Laboratorio de Genetica e Diagnostico Molecular, Hospital Israelita Albert Einstein
Classification: Pathogenic for KBG syndrome. Last evaluated: 2022-01-04. Review status: criteria provided, single submitter. Criteria: ACMG Guidelines, 2015. Collection method: clinical testing. Allele origin: germline. Affected: yes.
Comment: ACMG classification criteria: PVS1 very strong, PS4 supporting, PM2 moderate

Autoinflammatory diseases unit, CHU de Montpellier
Classification: Pathogenic for KBG syndrome. Last evaluated: 2018-03-28. Review status: no assertion criteria provided. Collection method: clinical testing. Allele origin: de novo. Affected: yes. Not counted in ClinVar's aggregate classification.

Literature cited by the submitters: PubMed 27605097 (cited by Autoinflammatory diseases unit, CHU de Montpellier); PubMed 25424714 (cited by Autoinflammatory diseases unit, CHU de Montpellier).